The following is an entry in ClinVar:

ClinVar aggregate classification (germline): Likely pathogenic (1 of 4 stars; one submission).

Submission:

GeneDx
Classification: Likely pathogenic. Last evaluated: 2019-11-26. Review status: criteria provided, single submitter. Criteria: GeneDx Variant Classification Process June 2021. Collection method: clinical testing. Allele origin: germline. Affected: yes.
Comment: Not observed in large population cohorts (Lek et al., 2016); In silico analysis, which includes protein predictors and evolutionary conservation, supports a deleterious effect; Has not been previously published as pathogenic or benign to our knowledge

NM_017780.4(CHD7):c.3761A>C (p.His1254Pro)

Gene: CHD7 (chromodomain helicase DNA binding protein 7; plus strand). Cytogenetic location: 8q12.2.
Variant type: single nucleotide variant.
Coding change: c.3761A>C on transcript NM_017780.4 (MANE Select); coding-DNA position 3761, A replaced by C.
Protein change: p.His1254Pro; replaces histidine 1254 with proline.
Molecular consequence: missense variant. On other transcripts: intron variant (1).
Genome position (GRCh38, 1-based): chr8:60,830,560, A>C. VCF-style: chr8-60830560-A-C. GRCh37 (hg19) VCF-style: chr8-61743119-A-C.
Other names: c.1717-31669A>C (NM_001316690.1); short protein forms H1254P.
Identifiers: ClinVar variation 1209155 (VCV001209155.3), dbSNP rs2150765100, ClinGen allele CA371315733.